The following is an entry in ClinVar:

ClinVar aggregate classification (germline): Uncertain significance (1 of 4 stars; one submission).

Allele frequency attached by ClinVar (database versions not stated): gnomAD exomes below 0.00001 and 0.00001; gnomAD 0.00002; ExAC 0.00003; ESP Exome Variant Server 0.00008.
gnomAD v4.1: 5 of 1,612,918 alleles (0.00031%); highest among the groups gnomAD compares: African/African-American, 0.0067%; no homozygotes.

Submission:

Labcorp Genetics (formerly Invitae), Labcorp
Classification: Uncertain significance. Last evaluated: 2022-06-27. Review status: criteria provided, single submitter. Criteria: Invitae Variant Classification Sherloc (09022015). Collection method: clinical testing. Allele origin: germline.
Comment: In summary, the available evidence is currently insufficient to determine the role of this variant in disease. Therefore, it has been classified as a Variant of Uncertain Significance. Algorithms developed to predict the effect of missense changes on protein structure and function are either unavailable or do not agree on the potential impact of this missense change (SIFT: "Deleterious"; PolyPhen-2: "Benign"; Align-GVGD: "Class C65"). This variant has not been reported in the literature in individuals affected with MOCS3-related conditions. This variant is present in population databases (rs370216205, gnomAD 0.02%). This sequence change replaces glycine, which is neutral and non-polar, with arginine, which is basic and polar, at codon 76 of the MOCS3 protein (p.Gly76Arg).

NM_014484.5(MOCS3):c.226G>C (p.Gly76Arg)

Gene: MOCS3 (molybdenum cofactor synthesis 3; plus strand). Cytogenetic location: 20q13.13.
Variant type: single nucleotide variant.
Coding change: c.226G>C on transcript NM_014484.5 (MANE Select); coding-DNA position 226, G replaced by C.
Protein change: p.Gly76Arg; replaces glycine 76 with arginine.
Molecular consequence: missense variant.
Genome position (GRCh38, 1-based): chr20:50,959,068, G>C. VCF-style: chr20-50959068-G-C. GRCh37 (hg19) VCF-style: chr20-49575605-G-C.
Other names: short protein forms G76R.
Identifiers: ClinVar variation 1424307 (VCV001424307.8), dbSNP rs370216205, ClinGen allele CA9909365.